The following is an entry in ClinVar:

NM_000518.5(HBB):c.*115_*116del

Genes: HBB (hemoglobin subunit beta; minus strand), LOC107133510 (origin of replication at HBB; plus strand), LOC110006319 (beta-globin gene 3' regulatory region; plus strand). Cytogenetic location: 11p15.4.
Variant type: Deletion.
Coding change: c.*115_*116del on transcript NM_000518.5 (MANE Select); 115 bases downstream of the stop codon through 116 bases downstream of the stop codon, 2 bases deleted (AA; older notation c.*115_*116delAA).
Molecular consequence: 3 prime UTR variant.
Genome position (GRCh38, 1-based): chr11:5,225,482-5,225,483, TT deleted on the plus strand (AA on the coding strand, the reverse complement: HBB is on the minus strand); deleting any 2 consecutive bases within chr11:5,225,482-5,225,487 gives the same sequence; the c. name uses the placement nearest the transcript's 3' end. VCF-style (leftmost placement, unchanged base first): chr11-5225481-GTT-G. GRCh37 (hg19) VCF-style: chr11-5246711-GTT-G.
Other names: polyA (-AA); c.*115_*116del (NM_000518.4).
Identifiers: ClinVar variation 869259 (VCV000869259.2), dbSNP rs281864532, ClinGen allele CA217112045.

ClinVar aggregate classification (germline): Likely pathogenic. Review status: criteria provided, single submitter (1 of 4 stars). 2 submissions from 2 submitters: Likely pathogenic (1). 1 of the submissions does not count toward it. Last evaluated 2025-10-03.

Conditions:
beta Thalassemia (BTHAL). Also called: Cooley's anemia; Erythroblastic anemia; Mediterranean anemia. Identifiers: Orphanet 848, MedGen C0005283, MONDO:0019402. Disease mechanism: loss of function.

Submissions (2):

Quest Diagnostics Nichols Institute San Juan Capistrano
Classification: Likely pathogenic. Last evaluated: 2025-10-03. Review status: criteria provided, single submitter. Criteria: Quest Diagnostics criteria. Collection method: clinical testing. Allele origin: unknown.
Comment: The HBB c.*115_*116del variant (also known as Poly A (-AA)) or c.*111_*112delAA) is the deletion of nucleotides c.*115 to c.*116 in the 3 prime untranslated region (UTR) of the beta-globin mRNA. The variant is predicted to cause inefficient cleavage and polyadenylation of the beta-globin mRNA and has been reported in the published literature in individuals with raised HbA2 and reduced red cell indices (PMID: 26635043 (2016), HbVar, ITHANET). This variant has not been reported in large, multi-ethnic general populations (Genome Aggregation Database). Based on the available information, this variant is classified as likely pathogenic.

The ITHANET community portal, The Cyprus Institute of Neurology and Genetics
Classification: Pathogenic for beta Thalassemia. Last evaluated: 2019-11-25. Review status: no assertion criteria provided. Collection method: curation. Allele origin: germline. Not counted in ClinVar's aggregate classification.

Literature cited by the submitters: PubMed 26635043 (cited by Quest Diagnostics Nichols Institute San Juan Capistrano and The ITHANET community portal, The Cyprus Institute of Neurology and Genetics).